The following is an entry in ClinVar:

ClinVar aggregate classification (germline): Uncertain significance (1 of 4 stars; one submission).

Conditions:
Hereditary cancer-predisposing syndrome. Also called: Tumor predisposition; Hereditary neoplastic syndrome; Hereditary Cancer Syndrome; Neoplastic Syndromes, Hereditary. Identifiers: Orphanet 140162, MedGen C0027672, MeSH D009386, MONDO:0015356.

Submission:

Ambry Genetics
Classification: Uncertain significance for Hereditary cancer-predisposing syndrome. Last evaluated: 2023-11-01. Review status: criteria provided, single submitter. Criteria: Ambry Variant Classification Scheme 2023. Collection method: clinical testing. Allele origin: germline.
Comment: The p.R21S variant (also known as c.63G>T), located in coding exon 1 of the CTNNA1 gene, results from a G to T substitution at nucleotide position 63. The arginine at codon 21 is replaced by serine, an amino acid with dissimilar properties. This amino acid position is conserved. In addition, the in silico prediction for this alteration is inconclusive. Since supporting evidence is limited at this time, the clinical significance of this alteration remains unclear.

NM_001903.5(CTNNA1):c.63G>T (p.Arg21Ser)

Gene: CTNNA1 (catenin alpha 1; plus strand). Cytogenetic location: 5q31.2.
Variant type: single nucleotide variant.
Coding change: c.63G>T on transcript NM_001903.5 (MANE Select); coding-DNA position 63, G replaced by T.
Protein change: p.Arg21Ser; replaces arginine 21 with serine.
Molecular consequence: missense variant. On other transcripts: 5 prime UTR variant (2).
Genome position (GRCh38, 1-based): chr5:138,781,987, G>T. VCF-style: chr5-138781987-G-T. GRCh37 (hg19) VCF-style: chr5-138117676-G-T.
Other names: c.63G>T, p.Arg21Ser (NM_001290307.3, NM_001323982.2, NM_001323983.1 and 3 more transcripts); c.-51G>T (NM_001290309.3); c.-144G>T (NM_001290310.3); short protein forms R21S.
Identifiers: ClinVar variation 3221920 (VCV003221920.1), dbSNP rs1436293141, ClinGen allele CA361477159.